The following is an entry in ClinVar:

ClinVar aggregate classification (germline): Pathogenic. Review status: criteria provided, multiple submitters, no conflicts (2 of 4 stars). 10 submissions from 10 submitters: Pathogenic (8). 2 of the submissions do not count toward it. Last evaluated 2026-03-14.

Conditions:
Polycystic kidney disease, adult type (PKD1). Also called: Polycystic Kidney, Autosomal Dominant; Polycystic Kidney Disease 1, Autosomal Dominant; Polycystic kidney disease 1; Polycystic kidney disease 1, severe; POLYCYSTIC KIDNEY DISEASE, ADULT, TYPE I; POLYCYSTIC KIDNEY DISEASE 1 WITH OR WITHOUT POLYCYSTIC LIVER DISEASE. Identifiers: MedGen C3149841, MONDO:0008263, OMIM 173900.
Polycystic kidney disease. Also called: Kidney, Polycystic; Polycystic kidney dysplasia. Identifiers: MedGen C0022680, MeSH D007690, MONDO:0020642, HP:0000113.
PKD1-related disorder. Also called: PKD1-related condition.

Allele frequency attached by ClinVar (database versions not stated): gnomAD exomes below 0.00001.
gnomAD v4.1: 1 of 1,611,244 alleles (0.000062%); no homozygotes.

Submissions (10):

Victorian Clinical Genetics Services, Murdoch Childrens Research Institute
Classification: Pathogenic for Polycystic kidney disease, adult type. Last evaluated: 2026-03-14. Review status: criteria provided, single submitter. Criteria: ACMG Guidelines, 2015. Collection method: clinical testing. Allele origin: germline. Affected: yes.
Comment: This variant is classified as Pathogenic. Evidence in support of pathogenic classification: Variant is predicted to cause nonsense-mediated decay (NMD) and loss of protein (premature termination codon is located at least 54 nucleotides upstream of the final exon-exon junction); Variant is present in gnomAD <0.001 for a dominant condition (v4: 1 heterozygote(s), 0 homozygote(s)); This variant has strong previous evidence of pathogenicity in unrelated individuals. This variant has been classified as pathogenic by multiple clinical laboratories in ClinVar. - Other NMD-predicted variants comparable to the one identified in this case have very strong previous evidence for pathogenicity (ClinVar). Additional information: This variant is heterozygous; This gene is associated with autosomal dominant disease. Polycystic kidney disease 1 (MIM#173900) is predominantly caused by monoallelic variants, with rare reports of biallelic variants causing disease (OMIM); Loss of function is a known mechanism of disease in this gene and is associated with polycystic kidney disease 1 (MIM#173900); Inheritance information for this variant is not currently available in this individual.

PreventionGenetics, part of Exact Sciences
Classification: Pathogenic for PKD1-related condition. Last evaluated: 2026-01-06. Review status: criteria provided, single submitter. Criteria: ACMG Guidelines, 2015. Collection method: clinical testing. Allele origin: germline.
Comment: The PKD1 c.9547C>T variant is predicted to result in premature protein termination (p.Arg3183*). This variant has been reported in individuals with polycystic kidney disease (Supp. Table S4, Audrézet et al. 2012. PubMed ID: 22508176; Supplementary Table, Kim et al. 2019. PubMed ID: 31740684). This variant has not been reported in a large population database (gnomAD), indicating this variant is rare. Nonsense variants in PKD1 are expected to be pathogenic. This variant is interpreted as pathogenic.

Dasa
Classification: Pathogenic for Polycystic kidney disease, adult type. Last evaluated: 2025-10-09. Review status: criteria provided, single submitter. Criteria: DASA Assertion Criteria. Collection method: clinical testing. Allele origin: germline.
Comment: NM_001009944.3(PKD1):c.9547C>T (p.Arg3183*) introduces a premature termination codon predicted to result in loss of normal protein function. Loss-of-function is an established mechanism of disease for this gene. Segregation evidence has been reported in affected families. This variant has been recurrently observed in individuals with Polycystic kidney disease, adult type (PMID: 37909612; PMID: 35778421; PMID: 35783601; PMID: 22508176). The variant is present at low frequency in population datasets. Based on the available data, this variant is classified as pathogenic.

GeneDx
Classification: Pathogenic. Last evaluated: 2024-08-15. Review status: criteria provided, single submitter. Criteria: GeneDx Variant Classification Process June 2021. Collection method: clinical testing. Allele origin: germline. Affected: yes.
Comment: Nonsense variant predicted to result in protein truncation or nonsense mediated decay in a gene for which loss of function is a known mechanism of disease; Not observed at significant frequency in large population cohorts (gnomAD); This variant is associated with the following publications: (PMID: 22508176, 31740684, 36186434, 35177841, 30586318, 35783601, 37909612)

Blueprint Genetics
Classification: Pathogenic for PKD1-related disorders. Last evaluated: 2024-05-13. Review status: criteria provided, single submitter. Criteria: ACMG Guidelines, 2015. Collection method: clinical testing. Allele origin: germline. Affected: yes. Observed: 5 variant alleles.

Fulgent Genetics
Classification: Pathogenic for Polycystic kidney disease, adult type. Last evaluated: 2024-03-19. Review status: criteria provided, single submitter. Criteria: ACMG Guidelines, 2015. Collection method: clinical testing. Allele origin: germline.

Eurofins-Biomnis
Classification: Pathogenic for Polycystic kidney disease, adult type. Last evaluated: 2022-10-07. Review status: criteria provided, single submitter. Criteria: Accession Criteria ClinVar Biomnis. Collection method: clinical testing. Allele origin: germline. Affected: yes. Observed: 1 heterozygote.

Juno Genomics, Hangzhou Juno Genomics, Inc
Classification: Pathogenic for Polycystic kidney disease, adult type. Review status: criteria provided, single submitter. Criteria: ACMG Guidelines, 2015. Collection method: clinical testing. Allele origin: germline. Affected: yes.
Comment: Absent from controls (or at extremely low frequency if recessive) in Genome Aggregation Database, Exome Sequencing Project, 1000 Genomes Project, or Exome Aggregation Consortium.;Null variant in a gene where loss of function (LOF) is a known mechanism of disease.;The prevalence of the variant in affected individuals is significantly increased compared to the prevalence in controls.;Patient's phenotype or family history is highly specific for a disease with a single genetic etiology.

Gharavi Laboratory, Columbia University
Classification: Pathogenic. Last evaluated: 2018-09-16. Review status: no assertion criteria provided. Criteria: ACMG Guidelines, 2015. Collection method: research. Allele origin: germline. Affected: yes. Not counted in ClinVar's aggregate classification.

Department of Pathology and Laboratory Medicine, Sinai Health System
Classification: Pathogenic for Polycystic Kidney disease. Review status: no assertion criteria provided. Collection method: clinical testing. Allele origin: unknown. Affected: yes. Study: The Canadian Open Genetics Repository (COGR). Not counted in ClinVar's aggregate classification.
Comment: The PKD1 p.Arg3183X variant was identified in 2 of 1400 proband chromosomes (frequency: 0.001) from individuals or families with ADPKD (Audrezet 2012). The variant was also identified in ADPKD Mutation Database (definitely pathogenic). The variant was not identified in dbSNP, ClinVar, Clinvitae, GeneInsight-COGR, LOVD 3.0, PKD1-LOVD, databases. The variant was not identified in the following control databases: the 1000 Genomes Project, the NHLBI GO Exome Sequencing Project, the Exome Aggregation Consortium (August 8th 2016), or the Genome Aggregation Database (Feb 27, 2017). The c.9547C>T variant leads to a premature stop codon at position 3183, which is predicted to lead to a truncated or absent protein and loss of function. Loss of function variants of the PKD1 gene are an established mechanism of disease in ADPKD and is the type of variant expected to cause the disorder. In summary, based on the above information, this variant meets our laboratoryâ€šÃ„Ã´s criteria to be classified as pathogenic.

Literature cited by the submitters: PubMed 37909612 (cited by Dasa); PubMed 35778421 (cited by Dasa); PubMed 35783601 (cited by Dasa); PubMed 22508176 (cited by Dasa).

NM_001009944.3(PKD1):c.9547C>T (p.Arg3183Ter)

Gene: PKD1 (polycystin 1, transient receptor potential channel interacting; minus strand). Cytogenetic location: 16p13.3.
Variant type: single nucleotide variant.
Coding change: c.9547C>T on transcript NM_001009944.3 (MANE Select); coding-DNA position 9547, C replaced by T.
Protein change: p.Arg3183Ter; replaces arginine 3183 with a stop codon.
Molecular consequence: nonsense.
Genome position (GRCh38, 1-based): chr16:2,100,417, G>A on the plus strand (C>T on the coding strand, the complement: PKD1 is on the minus strand). VCF-style: chr16-2100417-G-A. GRCh37 (hg19) VCF-style: chr16-2150418-G-A.
Other names: c.9547C>T, p.Arg3183Ter (NM_000296.4); short protein forms R3183*.
Identifiers: ClinVar variation 562249 (VCV000562249.14), dbSNP rs1485297878, ClinGen allele CA394355893.